The following is an entry in ClinVar:

NM_002911.4(UPF1):c.1063C>A (p.Arg355=)

Gene: UPF1 (UPF1 RNA helicase and ATPase; plus strand). Cytogenetic location: 19p13.11.
Variant type: single nucleotide variant.
Coding change: c.1063C>A on transcript NM_002911.4 (MANE Select); coding-DNA position 1063, C replaced by A.
Protein change: p.Arg355=; no amino-acid change (arginine 355 retained).
Molecular consequence: synonymous variant.
Genome position (GRCh38, 1-based): chr19:18,853,257, C>A. VCF-style: chr19-18853257-C-A. GRCh37 (hg19) VCF-style: chr19-18964066-C-A.
Other names: c.1096C>A, p.Arg366= (NM_001297549.2).
Identifiers: ClinVar variation 4533553 (VCV004533553.6).

ClinVar aggregate classification (germline): Benign (1 of 4 stars; one submission).

gnomAD v4.1: 1,049 of 1,610,670 alleles (0.065%); highest among the groups gnomAD compares: Middle Eastern, 1%; 3 homozygotes.

Submission:

CeGaT Center for Human Genetics Tuebingen
Classification: Benign. Last evaluated: 2025-10-01. Review status: criteria provided, single submitter. Criteria: CeGaT Center For Human Genetics Tuebingen Variant Classification Criteria Version 2. Collection method: clinical testing. Allele origin: germline. Affected: yes. Observed: 1 variant allele.
Comment: UPF1: BS1, BS2